The following is an entry in ClinVar:

ClinVar aggregate classification (germline): Uncertain significance (1 of 4 stars; one submission).

Allele frequency attached by ClinVar (database versions not stated): TOPMed below 0.00001.
gnomAD v4.1: 3 of 983,198 alleles (0.00031%); highest among the groups gnomAD compares: Non-Finnish European, 0.00036%; no homozygotes.

Submission:

GeneDx
Classification: Uncertain significance. Last evaluated: 2023-02-28. Review status: criteria provided, single submitter. Criteria: GeneDx Variant Classification Process June 2021. Collection method: clinical testing. Allele origin: germline. Affected: yes.
Comment: Not observed at significant frequency in large population cohorts (gnomAD); In silico analysis supports that this missense variant does not alter protein structure/function; Has not been previously published as pathogenic or benign to our knowledge

NM_003185.4(TAF4):c.223C>G (p.Pro75Ala)

Gene: TAF4 (TATA-box binding protein associated factor 4; minus strand). Cytogenetic location: 20q13.33.
Variant type: single nucleotide variant.
Coding change: c.223C>G on transcript NM_003185.4 (MANE Select); coding-DNA position 223, C replaced by G.
Protein change: p.Pro75Ala; replaces proline 75 with alanine.
Molecular consequence: missense variant.
Genome position (GRCh38, 1-based): chr20:62,065,588, G>C on the plus strand (C>G on the coding strand, the complement: TAF4 is on the minus strand). VCF-style: chr20-62065588-G-C. GRCh37 (hg19) VCF-style: chr20-60640644-G-C.
Other names: short protein forms P75A.
Identifiers: ClinVar variation 2578254 (VCV002578254.1), dbSNP rs1259961111, ClinGen allele CA409521528.